The following is an entry in ClinVar:

ClinVar aggregate classification (germline): Pathogenic (1 of 4 stars; one submission).

Submission:

Labcorp Genetics (formerly Invitae), Labcorp
Classification: Pathogenic. Last evaluated: 2023-08-19. Review status: criteria provided, single submitter. Criteria: Invitae Variant Classification Sherloc (09022015). Collection method: clinical testing. Allele origin: germline.
Comment: Experimental studies have shown that this missense change affects MYO7A function (PMID: 18181211). For these reasons, this variant has been classified as Pathogenic. Advanced modeling of protein sequence and biophysical properties (such as structural, functional, and spatial information, amino acid conservation, physicochemical variation, residue mobility, and thermodynamic stability) performed at Invitae indicates that this missense variant is expected to disrupt MYO7A protein function. This missense change has been observed in individual(s) with clinical features of Usher syndrome (PMID: 18181211; Invitae). This variant is not present in population databases (gnomAD no frequency). This sequence change replaces aspartic acid, which is acidic and polar, with asparagine, which is neutral and polar, at codon 437 of the MYO7A protein (p.Asp437Asn).

Literature cited by the submitters: PubMed 18181211.

NM_000260.4(MYO7A):c.1309G>A (p.Asp437Asn)

Gene: MYO7A (myosin VIIA; plus strand). Cytogenetic location: 11q13.5.
Variant type: single nucleotide variant.
Coding change: c.1309G>A on transcript NM_000260.4 (MANE Select); coding-DNA position 1309, G replaced by A.
Protein change: p.Asp437Asn; replaces aspartic acid 437 with asparagine.
Molecular consequence: missense variant.
Genome position (GRCh38, 1-based): chr11:77,161,081, G>A. VCF-style: chr11-77161081-G-A. GRCh37 (hg19) VCF-style: chr11-76872127-G-A.
Other names: c.1309G>A, p.Asp437Asn (NM_001127180.2); c.1276G>A, p.Asp426Asn (NM_001369365.1); short protein forms D426N, D437N.
Identifiers: ClinVar variation 2735700 (VCV002735700.3), dbSNP rs2496846060, ClinGen allele CA381935089.